The following is an entry in ClinVar:

ClinVar aggregate classification (germline): Uncertain significance. Review status: criteria provided, multiple submitters, no conflicts (2 of 4 stars). 2 submissions from 2 submitters: Uncertain significance (2). Last evaluated 2025-12-21.

Conditions:
Inborn genetic diseases. Identifiers: MedGen C0950123, MeSH D030342.
Baller-Gerold syndrome (BGS). Also called: CRANIOSYNOSTOSIS WITH RADIAL DEFECTS. Identifiers: Orphanet 1225, MedGen C0265308, MONDO:0009039, OMIM 218600.

Allele frequency attached by ClinVar (database versions not stated): gnomAD 0.00006; 1000 Genomes Project 30x 0.00016; 1000 Genomes Project 0.00020.

Submissions (2):

Labcorp Genetics (formerly Invitae), Labcorp
Classification: Uncertain significance for Baller-Gerold syndrome. Last evaluated: 2025-12-21. Review status: criteria provided, single submitter. Criteria: Invitae Variant Classification Sherloc (09022015). Collection method: clinical testing. Allele origin: germline.
Comment: This sequence change replaces arginine, which is basic and polar, with proline, which is neutral and non-polar, at codon 418 of the RECQL4 protein (p.Arg418Pro). This variant is present in population databases (rs548957135, gnomAD 0.05%). This variant has not been reported in the literature in individuals affected with RECQL4-related conditions. ClinVar contains an entry for this variant (Variation ID: 644335). Invitae Evidence Modeling of protein sequence and biophysical properties (such as structural, functional, and spatial information, amino acid conservation, physicochemical variation, residue mobility, and thermodynamic stability) indicates that this missense variant is not expected to disrupt RECQL4 protein function with a negative predictive value of 80%. In summary, the available evidence is currently insufficient to determine the role of this variant in disease. Therefore, it has been classified as a Variant of Uncertain Significance.

Ambry Genetics
Classification: Uncertain significance for Inborn genetic diseases. Last evaluated: 2025-01-02. Review status: criteria provided, single submitter. Criteria: Ambry Variant Classification Scheme 2023. Collection method: clinical testing. Allele origin: germline.
Comment: The p.R418P variant (also known as c.1253G>C), located in coding exon 6 of the RECQL4 gene, results from a G to C substitution at nucleotide position 1253. The arginine at codon 418 is replaced by proline, an amino acid with dissimilar properties. This amino acid position is conserved. In addition, this alteration is predicted to be tolerated by in silico analysis. Based on the available evidence, the clinical significance of this variant remains unclear.

NM_004260.4(RECQL4):c.1253G>C (p.Arg418Pro)

Gene: RECQL4 (RecQ like helicase 4; minus strand). Cytogenetic location: 8q24.3.
Variant type: single nucleotide variant.
Coding change: c.1253G>C on transcript NM_004260.4 (MANE Select); coding-DNA position 1253, G replaced by C.
Protein change: p.Arg418Pro; replaces arginine 418 with proline.
Molecular consequence: missense variant.
Genome position (GRCh38, 1-based): chr8:144,515,769, C>G on the plus strand (G>C on the coding strand, the complement: RECQL4 is on the minus strand). VCF-style: chr8-144515769-C-G. GRCh37 (hg19) VCF-style: chr8-145741153-C-G.
Other names: short protein forms R418P.
Identifiers: ClinVar variation 644335 (VCV000644335.10), dbSNP rs548957135, ClinGen allele CA4948978.